The following is an entry in ClinVar:

NM_001376.5(DYNC1H1):c.10940C>T (p.Pro3647Leu)

Gene: DYNC1H1 (dynein cytoplasmic 1 heavy chain 1; plus strand). Cytogenetic location: 14q32.31.
Variant type: single nucleotide variant.
Coding change: c.10940C>T on transcript NM_001376.5 (MANE Select); coding-DNA position 10940, C replaced by T.
Protein change: p.Pro3647Leu; replaces proline 3647 with leucine.
Molecular consequence: missense variant.
Genome position (GRCh38, 1-based): chr14:102,038,491, C>T. VCF-style: chr14-102038491-C-T. GRCh37 (hg19) VCF-style: chr14-102504828-C-T.
Other names: short protein forms P3647L.
Identifiers: ClinVar variation 1464094 (VCV001464094.6), dbSNP rs2152594699, ClinGen allele CA391031374.

ClinVar aggregate classification (germline): Uncertain significance (1 of 4 stars; one submission).

Conditions:
Charcot-Marie-Tooth disease axonal type 2O. Also called: Charcot-Marie-Tooth Neuropathy Type 2O; CHARCOT-MARIE-TOOTH NEUROPATHY, AXONAL, TYPE 2O; CHARCOT-MARIE-TOOTH DISEASE, AXONAL, AUTOSOMAL DOMINANT, TYPE 2O; Charcot-Marie-Tooth disease, axonal, type 20. Identifiers: Orphanet 284232, MedGen C3280220, MONDO:0013644, OMIM 614228.

Submission:

Labcorp Genetics (formerly Invitae), Labcorp
Classification: Uncertain significance for Charcot-Marie-Tooth disease axonal type 2O. Last evaluated: 2022-06-13. Review status: criteria provided, single submitter. Criteria: Invitae Variant Classification Sherloc (09022015). Collection method: clinical testing. Allele origin: germline.
Comment: This sequence change replaces proline, which is neutral and non-polar, with leucine, which is neutral and non-polar, at codon 3647 of the DYNC1H1 protein (p.Pro3647Leu). This variant is not present in population databases (gnomAD no frequency). In summary, the available evidence is currently insufficient to determine the role of this variant in disease. Therefore, it has been classified as a Variant of Uncertain Significance. Algorithms developed to predict the effect of missense changes on protein structure and function (SIFT, PolyPhen-2, Align-GVGD) all suggest that this variant is likely to be disruptive. This variant has not been reported in the literature in individuals affected with DYNC1H1-related conditions.